The following is an entry in ClinVar:

ClinVar aggregate classification (germline): Uncertain significance (1 of 4 stars; one submission).

Conditions:
Infantile-onset X-linked spinal muscular atrophy. Also called: Spinal muscular atrophy, X-linked 2; AMC, DISTAL, X-LINKED; ARTHROGRYPOSIS, X-LINKED, TYPE I; Spinal Muscular Atrophy, X-Linked Infantile; SPINAL MUSCULAR ATROPHY, X-LINKED LETHAL INFANTILE. Identifiers: Orphanet 1145, MedGen C1844934, MONDO:0010532, OMIM 301830.

gnomAD v4.1: 1 of 1,212,167 alleles (0.000082%); no homozygotes.

Submission:

Labcorp Genetics (formerly Invitae), Labcorp
Classification: Uncertain significance for Infantile-onset X-linked spinal muscular atrophy. Last evaluated: 2024-05-22. Review status: criteria provided, single submitter. Criteria: Invitae Variant Classification Sherloc (09022015). Collection method: clinical testing. Allele origin: germline.
Comment: This sequence change replaces lysine, which is basic and polar, with asparagine, which is neutral and polar, at codon 468 of the UBA1 protein (p.Lys468Asn). This variant is not present in population databases (gnomAD no frequency). This variant has not been reported in the literature in individuals affected with UBA1-related conditions. ClinVar contains an entry for this variant (Variation ID: 533613). An algorithm developed to predict the effect of missense changes on protein structure and function (PolyPhen-2) suggests that this variant is likely to be tolerated. In summary, the available evidence is currently insufficient to determine the role of this variant in disease. Therefore, it has been classified as a Variant of Uncertain Significance.

NM_003334.4(UBA1):c.1404G>T (p.Lys468Asn)

Gene: UBA1 (ubiquitin like modifier activating enzyme 1; plus strand). Cytogenetic location: Xp11.3.
Variant type: single nucleotide variant.
Coding change: c.1404G>T on transcript NM_003334.4 (MANE Select); coding-DNA position 1404, G replaced by T.
Protein change: p.Lys468Asn; replaces lysine 468 with asparagine.
Molecular consequence: missense variant.
Genome position (GRCh38, 1-based): chrX:47,203,199, G>T. VCF-style: chrX-47203199-G-T. GRCh37 (hg19) VCF-style: chrX-47062598-G-T.
Other names: c.1404G>T, p.Lys468Asn (NM_153280.3); short protein forms K468N.
Identifiers: ClinVar variation 533613 (VCV000533613.8), dbSNP rs782565391, ClinGen allele CA412797998.